The following is an entry in ClinVar:

ClinVar aggregate classification (germline): Uncertain significance. Review status: criteria provided, single submitter (1 of 4 stars). 2 submissions from 2 submitters: Uncertain significance (1). 1 of the submissions does not count toward it. Last evaluated 2019-04-25.

Conditions:
Menkes kinky-hair syndrome (MNK). Also called: Copper transport disease; Classic Menkes Disease; Menkes Disease. Identifiers: Orphanet 565, MedGen C0022716, MONDO:0010651, OMIM 309400.
Cutis laxa, X-linked (OHS). Also called: EDS IX; Occipital horn syndrome. Identifiers: Orphanet 198, MedGen C0268353, MONDO:0010572, OMIM 304150.
X-linked distal spinal muscular atrophy type 3. Also called: SPINAL MUSCULAR ATROPHY, DISTAL, X-LINKED RECESSIVE; ATP7A-Related Distal Motor Neuropathy; NEURONOPATHY, DISTAL HEREDITARY MOTOR, X-LINKED; NEUROPATHY, DISTAL HEREDITARY MOTOR, X-LINKED. Identifiers: Orphanet 139557, MedGen C1845359, MONDO:0010338, OMIM 300489.

Allele frequency attached by ClinVar (database versions not stated): gnomAD exomes below 0.00001 and 0.00001; ExAC 0.00001.
gnomAD v4.1: 3 of 1,209,757 alleles (0.00025%); highest among the groups gnomAD compares: East Asian, 0.003%; no homozygotes.

Submissions (2):

Labcorp Genetics (formerly Invitae), Labcorp
Classification: Uncertain significance for Distal spinal muscular atrophy, X-linked 3; Cutis laxa, X-linked; Menkes kinky-hair syndrome. Last evaluated: 2019-04-25. Review status: criteria provided, single submitter. Criteria: Invitae Variant Classification Sherloc (09022015). Collection method: clinical testing. Allele origin: germline.
Comment: This sequence change replaces aspartic acid with glycine at codon 617 of the ATP7A protein (p.Asp617Gly). The aspartic acid residue is highly conserved and there is a moderate physicochemical difference between aspartic acid and glycine. This variant is present in population databases (rs782528311, ExAC 0.02%). This variant has not been reported in the literature in individuals with ATP7A-related disease. Algorithms developed to predict the effect of missense changes on protein structure and function do not agree on the potential impact of this missense change (SIFT: "Deleterious"; PolyPhen-2: "Benign"; Align-GVGD: "Class C0"). Algorithms developed to predict the effect of sequence changes on RNA splicing suggest that this variant may create or strengthen a splice site, but this prediction has not been confirmed by published transcriptional studies. In summary, the available evidence is currently insufficient to determine the role of this variant in disease. Therefore, it has been classified as a Variant of Uncertain Significance.

Natera, Inc.
Classification: Uncertain significance for Distal spinal muscular atrophy, X-linked 3; Cutis laxa, X-linked; Menkes kinky-hair syndrome. Last evaluated: 2020-09-16. Review status: no assertion criteria provided. Collection method: clinical testing. Allele origin: germline. Not counted in ClinVar's aggregate classification.

NM_000052.7(ATP7A):c.1850A>G (p.Asp617Gly)

Gene: ATP7A (ATPase copper transporting alpha; plus strand). Cytogenetic location: Xq21.1.
Variant type: single nucleotide variant.
Coding change: c.1850A>G on transcript NM_000052.7 (MANE Select); coding-DNA position 1850, A replaced by G.
Protein change: p.Asp617Gly; replaces aspartic acid 617 with glycine.
Molecular consequence: missense variant.
Genome position (GRCh38, 1-based): chrX:78,009,244, A>G. VCF-style: chrX-78009244-A-G. GRCh37 (hg19) VCF-style: chrX-77264741-A-G.
Other names: c.1850A>G, p.Asp617Gly (NM_001282224.2); short protein forms D617G.
Identifiers: ClinVar variation 845824 (VCV000845824.2), dbSNP rs782528311, ClinGen allele CA10459117.
Genomic context (GRCh38, chrX:78,009,244, plus strand): 5'-TGGCCCTGGCAACCAACAAAGCACATATTAAATATGACCCAGAAATTATTGGTCCTAGAG[A>G]TATTATCCATACAATTGAAGTAAGTGCCAAGAATTTATGTTTCTGTGTTCTTACCTATTT-3'
Protein context (NP_000043.4, residues 607-627): KYDPEIIGPR[Asp617Gly]IIHTIESLGF